The following is an entry in ClinVar:

ClinVar aggregate classification (germline): Benign/Likely benign. Review status: criteria provided, multiple submitters, no conflicts (2 of 4 stars). 8 submissions from 8 submitters: Benign (2); Likely benign (4). 2 of the submissions do not count toward it. Last evaluated 2026-09-01.

Conditions:
Retinitis pigmentosa (RP). Identifiers: Orphanet 791, MedGen C0035334, MeSH D012174, MONDO:0019200, OMIM 268000. Inheritance: Autosomal dominant, autosomal recessive and X linked inheritance.

Allele frequency attached by ClinVar (database versions not stated): gnomAD 0.00220 and 0.00210; 1000 Genomes Project 0.00040; 1000 Genomes Project 30x 0.00047; gnomAD exomes 0.00141 and 0.00179; TOPMed 0.00158; ExAC 0.00166; ESP Exome Variant Server 0.00200.
gnomAD v4.1: 2,344 of 1,614,210 alleles (0.15%); highest among the groups gnomAD compares: African/African-American, 0.22%; 5 homozygotes.

Submissions (8):

CeGaT Center for Human Genetics Tuebingen
Classification: Likely benign. Last evaluated: 2026-09-01. Review status: criteria provided, single submitter. Criteria: CeGaT Center For Human Genetics Tuebingen Variant Classification Criteria Version 2. Collection method: clinical testing. Allele origin: germline. Affected: yes. Observed: 1 variant allele.
Comment: TOPORS: BP4, BP7

Labcorp Genetics (formerly Invitae), Labcorp
Classification: Benign. Last evaluated: 2025-12-17. Review status: criteria provided, single submitter. Criteria: Invitae Variant Classification Sherloc (09022015). Collection method: clinical testing. Allele origin: germline.

Blueprint Genetics
Classification: Likely benign. Last evaluated: 2024-11-14. Review status: criteria provided, single submitter. Criteria: ACMG Guidelines, 2015. Collection method: clinical testing. Allele origin: germline.

Illumina Laboratory Services, Illumina
Classification: Likely benign for Retinitis pigmentosa. Last evaluated: 2018-03-06. Review status: criteria provided, single submitter. Criteria: ICSL Variant Classification Criteria 13 December 2019. Collection method: clinical testing. Allele origin: germline.
Comment: This variant was observed in the ICSL laboratory as part of a predisposition screen in an ostensibly healthy population. It had not been previously curated by ICSL or reported in the Human Gene Mutation Database (HGMD: prior to June 1st, 2018), and was therefore a candidate for classification through an automated scoring system. Utilizing variant allele frequency, disease prevalence and penetrance estimates, and inheritance mode, an automated score was calculated to assess if this variant is too frequent to cause the disease. Based on the score and internal cut-off values, a variant classified as likely benign is not then subjected to further curation. The score for this variant resulted in a classification of likely benign for this disease.

Eurofins Ntd Llc (ga)
Classification: Benign. Last evaluated: 2014-02-21. Review status: criteria provided, single submitter. Criteria: EGL Classification Definitions 2015. Collection method: clinical testing. Allele origin: germline. Observed: 1 variant allele, 1 heterozygote.

Breakthrough Genomics
Classification: Likely benign. Review status: criteria provided, single submitter. Criteria: ACMG Guidelines, 2015. Collection method: not provided. Allele origin: germline. Inheritance: Unknown mechanism. Affected: yes.

Clinical Genetics DNA and cytogenetics Diagnostics Lab, Erasmus MC, Erasmus Medical Center
Classification: Likely benign. Review status: no assertion criteria provided. Collection method: clinical testing. Allele origin: germline. Affected: yes. Study: VKGL Data-share Consensus. Not counted in ClinVar's aggregate classification.

Clinical Genetics, Academic Medical Center
Classification: Benign. Review status: no assertion criteria provided. Collection method: clinical testing. Allele origin: germline. Affected: yes. Study: VKGL Data-share Consensus. Not counted in ClinVar's aggregate classification.

NM_005802.5(TOPORS):c.1560A>G (p.Gln520=)

Gene: TOPORS (TOP1 binding arginine/serine rich protein, E3 ubiquitin ligase; minus strand). Cytogenetic location: 9p21.1.
Variant type: single nucleotide variant.
Coding change: c.1560A>G on transcript NM_005802.5 (MANE Select); coding-DNA position 1560, A replaced by G.
Protein change: p.Gln520=; no amino-acid change (glutamine 520 retained).
Molecular consequence: synonymous variant.
Genome position (GRCh38, 1-based): chr9:32,542,965, T>C on the plus strand (A>G on the coding strand, the complement: TOPORS is on the minus strand). VCF-style: chr9-32542965-T-C. GRCh37 (hg19) VCF-style: chr9-32542963-T-C.
Other names: c.1365A>G, p.Gln455= (NM_001195622.2).
Identifiers: ClinVar variation 167741 (VCV000167741.24), dbSNP rs61756347, ClinGen allele CA180461.